The following is an entry in ClinVar:

NM_198904.4(GABRG2):c.954C>T (p.Leu318=)

Gene: GABRG2 (gamma-aminobutyric acid type A receptor subunit gamma2; plus strand). Cytogenetic location: 5q34.
Variant type: single nucleotide variant.
Coding change: c.954C>T on transcript NM_198904.4 (MANE Select); coding-DNA position 954, C replaced by T.
Protein change: p.Leu318=; no amino-acid change (leucine 318 retained).
Molecular consequence: synonymous variant. On other transcripts: intron variant (1).
Genome position (GRCh38, 1-based): chr5:162,149,139, C>T. VCF-style: chr5-162149139-C-T. GRCh37 (hg19) VCF-style: chr5-161576145-C-T.
Other names: c.945C>T, p.Leu315= (NM_001375339.1); c.951C>T, p.Leu317= (NM_001375341.1, NM_001375342.1); c.1074C>T, p.Leu358= (NM_001375343.1, NM_198903.2); c.993C>T, p.Leu331= (NM_001375344.1); c.888C>T, p.Leu296= (NM_001375345.1, NM_001375346.1); c.867C>T, p.Leu289= (NM_001375347.1); c.534C>T, p.Leu178= (NM_001375348.1, NM_001375350.1); c.669C>T, p.Leu223= (NM_001375349.1); and 2 more.
Identifiers: ClinVar variation 384407 (VCV000384407.14), dbSNP rs749531013, ClinGen allele CA3544859.

ClinVar aggregate classification (germline): Likely benign. Review status: criteria provided, multiple submitters, no conflicts (2 of 4 stars). 3 submissions from 3 submitters: Likely benign (3). Last evaluated 2025-08-09.

Conditions:
Inborn genetic diseases. Identifiers: MedGen C0950123, MeSH D030342.
EPILEPSY, CHILDHOOD ABSENCE, SUSCEPTIBILITY TO, 2 (ECA2). Identifiers: Orphanet 64280, MedGen C1843244, OMIM 607681.
Febrile seizures, familial, 8 (FEB8). Also called: CONVULSIONS, FAMILIAL FEBRILE, 8. Identifiers: Orphanet 36387, MedGen C1969810, MONDO:0011891, OMIM 607681.

Allele frequency attached by ClinVar (database versions not stated): gnomAD exomes 0.00002 and 0.00005; ExAC 0.00006; gnomAD 0.00023 and 0.00025; TOPMed 0.00025.
gnomAD v4.1: 69 of 1,613,882 alleles (0.0043%); highest among the groups gnomAD compares: African/African-American, 0.085%; no homozygotes.

Submissions (3):

Labcorp Genetics (formerly Invitae), Labcorp
Classification: Likely benign for Febrile seizures, familial, 8; EPILEPSY, CHILDHOOD ABSENCE, SUSCEPTIBILITY TO, 2. Last evaluated: 2025-08-09. Review status: criteria provided, single submitter. Criteria: Invitae Variant Classification Sherloc (09022015). Collection method: clinical testing. Allele origin: germline.

GeneDx
Classification: Likely benign. Last evaluated: 2017-08-31. Review status: criteria provided, single submitter. Criteria: GeneDx Variant Classification (06012015). Collection method: clinical testing. Allele origin: germline. Affected: yes.
Comment: This variant is considered likely benign or benign based on one or more of the following criteria: it is a conservative change, it occurs at a poorly conserved position in the protein, it is predicted to be benign by multiple in silico algorithms, and/or has population frequency not consistent with disease.

Ambry Genetics
Classification: Likely benign for Inborn genetic diseases. Last evaluated: 2017-06-21. Review status: criteria provided, single submitter. Criteria: Ambry Variant Classification Scheme 2023. Collection method: clinical testing. Allele origin: germline.